The following is an entry in ClinVar:

ClinVar aggregate classification (germline): Pathogenic. Review status: criteria provided, multiple submitters, no conflicts (2 of 4 stars). 4 submissions from 4 submitters: Pathogenic (4). Last evaluated 2025-04-17.

Conditions:
Usher syndrome type 2C. Also called: Usher syndrome, type 2B; USHER SYNDROME, TYPE IIC. Identifiers: Orphanet 231178, Orphanet 886, MedGen C2931213, MONDO:0011558, OMIM 605472.
Febrile seizures, familial, 4 (FEB4). Also called: CONVULSIONS, FAMILIAL FEBRILE, 4. Identifiers: MedGen C1858493, MONDO:0011443, OMIM 604352.
ADGRV1-related disorder. Also called: ADGRV1-related condition; ADGRV1-related disorders.

Allele frequency attached by ClinVar (database versions not stated): gnomAD exomes below 0.00001; ExAC 0.00002; gnomAD 0.00002; TOPMed 0.00002.
gnomAD v4.1: 16 of 1,560,070 alleles (0.001%); highest among the groups gnomAD compares: Non-Finnish European, 0.0013%; no homozygotes.

Submissions (4):

Labcorp Genetics (formerly Invitae), Labcorp
Classification: Pathogenic. Last evaluated: 2025-04-17. Review status: criteria provided, single submitter. Criteria: Invitae Variant Classification Sherloc (09022015). Collection method: clinical testing. Allele origin: germline.
Comment: This sequence change creates a premature translational stop signal (p.Arg5688*) in the ADGRV1 gene. It is expected to result in an absent or disrupted protein product. Loss-of-function variants in ADGRV1 are known to be pathogenic (PMID: 19357117, 22135276, 22147658, 26226137, 30718709, 31047384, 32467589). The frequency data for this variant in the population databases is considered unreliable, as metrics indicate poor data quality at this position in the gnomAD database. This premature translational stop signal has been observed in individual(s) with Usher syndrome type 2C (PMID: 22147658, 31046701). It has also been observed to segregate with disease in related individuals. ClinVar contains an entry for this variant (Variation ID: 503694). For these reasons, this variant has been classified as Pathogenic.

Blueprint Genetics
Classification: Pathogenic for ADGRV1-related disorders. Last evaluated: 2024-06-05. Review status: criteria provided, single submitter. Criteria: ACMG Guidelines, 2015. Collection method: clinical testing. Allele origin: germline. Affected: yes. Observed: 4 variant alleles.

Fulgent Genetics
Classification: Pathogenic for Febrile seizures, familial, 4; Usher syndrome type 2C. Last evaluated: 2018-10-31. Review status: criteria provided, single submitter. Criteria: ACMG Guidelines, 2015. Collection method: clinical testing. Allele origin: unknown.

GeneDx
Classification: Pathogenic. Last evaluated: 2018-02-09. Review status: criteria provided, single submitter. Criteria: GeneDx Variant Classification (06012015). Collection method: clinical testing. Allele origin: germline. Affected: yes.
Comment: The R5688X nonsense variant in the GPR98 gene has been reported previously in association with Usher syndrome type 2 (Besnard et al., 2012). This variant is predicted to cause loss of normal protein function either through protein truncation or nonsense-mediated mRNA decay. The variant is not observed at a significant frequency in large population cohorts (Lek et al., 2016). In summary, we consider the variant to be pathogenic.

Literature cited by the submitters: PubMed 19357117 (cited by Labcorp Genetics (formerly Invitae), Labcorp); PubMed 22135276 (cited by Labcorp Genetics (formerly Invitae), Labcorp); PubMed 22147658 (cited by Labcorp Genetics (formerly Invitae), Labcorp); PubMed 26226137 (cited by Labcorp Genetics (formerly Invitae), Labcorp); PubMed 30718709 (cited by Labcorp Genetics (formerly Invitae), Labcorp); PubMed 31047384 (cited by Labcorp Genetics (formerly Invitae), Labcorp); PubMed 32467589 (cited by Labcorp Genetics (formerly Invitae), Labcorp); PubMed 31046701 (cited by Labcorp Genetics (formerly Invitae), Labcorp).

NM_032119.4(ADGRV1):c.17062C>T (p.Arg5688Ter)

Gene: ADGRV1 (adhesion G protein-coupled receptor V1; plus strand). Cytogenetic location: 5q14.3.
Variant type: single nucleotide variant.
Coding change: c.17062C>T on transcript NM_032119.4 (MANE Select); coding-DNA position 17062, C replaced by T.
Protein change: p.Arg5688Ter; replaces arginine 5688 with a stop codon.
Molecular consequence: nonsense. On other transcripts: non-coding transcript variant (1).
Genome position (GRCh38, 1-based): chr5:90,848,679, C>T. VCF-style: chr5-90848679-C-T. GRCh37 (hg19) VCF-style: chr5-90144496-C-T.
Other names: short protein forms R5688*.
Identifiers: ClinVar variation 503694 (VCV000503694.11), dbSNP rs747622607, ClinGen allele CA3342284.